The following is an entry in ClinVar:

ClinVar aggregate classification (germline): Uncertain significance (1 of 4 stars; one submission).

Conditions:
Chédiak-Higashi syndrome (CHS). Also called: Chediak-Higashi Syndrome. Identifiers: Orphanet 167, MedGen C0007965, MONDO:0008963, OMIM 214500.

gnomAD v4.1: 27 of 1,580,952 alleles (0.0017%); highest among the groups gnomAD compares: Admixed American, 0.043%; no homozygotes.

Submission:

Labcorp Genetics (formerly Invitae), Labcorp
Classification: Uncertain significance for Chédiak-Higashi syndrome. Last evaluated: 2024-12-12. Review status: criteria provided, single submitter. Criteria: Invitae Variant Classification Sherloc (09022015). Collection method: clinical testing. Allele origin: germline.
Comment: This sequence change replaces tyrosine, which is neutral and polar, with phenylalanine, which is neutral and non-polar, at codon 3798 of the LYST protein (p.Tyr3798Phe). This variant is present in population databases (rs764978673, gnomAD 0.06%). This variant has not been reported in the literature in individuals affected with LYST-related conditions. An algorithm developed to predict the effect of missense changes on protein structure and function (PolyPhen-2) suggests that this variant is likely to be disruptive. In summary, the available evidence is currently insufficient to determine the role of this variant in disease. Therefore, it has been classified as a Variant of Uncertain Significance.

NM_000081.4(LYST):c.11393A>T (p.Tyr3798Phe)

Gene: LYST (lysosomal trafficking regulator; minus strand). Cytogenetic location: 1q42.3.
Variant type: single nucleotide variant.
Coding change: c.11393A>T on transcript NM_000081.4 (MANE Select); coding-DNA position 11393, A replaced by T.
Protein change: p.Tyr3798Phe; replaces tyrosine 3798 with phenylalanine.
Molecular consequence: missense variant.
Genome position (GRCh38, 1-based): chr1:235,662,953, T>A on the plus strand (A>T on the coding strand, the complement: LYST is on the minus strand). VCF-style: chr1-235662953-T-A. GRCh37 (hg19) VCF-style: chr1-235826253-T-A.
Other names: c.11393A>T, p.Tyr3798Phe (NM_001301365.1); short protein forms Y3798F.
Identifiers: ClinVar variation 3668939 (VCV003668939.1).
Genomic context (GRCh38, chr1:235,662,953, plus strand): 5'-CTAGTTTGGAGTTAAAGTGCTTTGGAGAACGTGAAGTTCATTCGCATTCACCCGGCTGCA[T>A]AGCTGCTAAGGAAGGAATAGAACATTGGCTGTTTCAAGCGCTGCTGGTCCTTCCGACACC-3'
Protein context (NP_000072.2, residues 3788-3801): QPMFYSFLSS[Tyr3798Phe]AAG